The following is an entry in ClinVar:

NM_006236.3(POU3F3):c.21C>T (p.Asn7=)

Gene: POU3F3 (POU class 3 homeobox 3; plus strand). Cytogenetic location: 2q12.1.
Variant type: single nucleotide variant.
Coding change: c.21C>T on transcript NM_006236.3 (MANE Select); coding-DNA position 21, C replaced by T.
Protein change: p.Asn7=; no amino-acid change (asparagine 7 retained).
Molecular consequence: synonymous variant.
Genome position (GRCh38, 1-based): chr2:104,855,531, C>T. VCF-style: chr2-104855531-C-T. GRCh37 (hg19) VCF-style: chr2-105471989-C-T.
Other names: c.21C>T (NM_006236.2).
Identifiers: ClinVar variation 2651213 (VCV002651213.26), dbSNP rs762770245, ClinGen allele CA1812884.

ClinVar aggregate classification (germline): Likely benign. Review status: criteria provided, multiple submitters, no conflicts (2 of 4 stars). 3 submissions from 3 submitters: Likely benign (2). 1 of the submissions does not count toward it. Last evaluated 2026-02-01.

Conditions:
POU3F3-related disorder. Also called: POU3F3-related condition.

Allele frequency attached by ClinVar (database versions not stated): 1000 Genomes Project 30x 0.00078; ExAC 0.00113; TOPMed 0.00167; gnomAD 0.00169.
gnomAD v4.1: 3,292 of 1,045,068 alleles (0.32%); highest among the groups gnomAD compares: Non-Finnish European, 0.36%; 5 homozygotes.

Submissions (3):

CeGaT Center for Human Genetics Tuebingen
Classification: Likely benign. Last evaluated: 2026-02-01. Review status: criteria provided, single submitter. Criteria: CeGaT Center For Human Genetics Tuebingen Variant Classification Criteria Version 2. Collection method: clinical testing. Allele origin: germline. Affected: yes. Observed: 6 variant alleles.
Comment: POU3F3: BP4, BS1

Blueprint Genetics
Classification: Likely benign. Last evaluated: 2024-11-22. Review status: criteria provided, single submitter. Criteria: ACMG Guidelines, 2015. Collection method: clinical testing. Allele origin: germline.

PreventionGenetics, part of Exact Sciences
Classification: Likely benign for POU3F3-related condition. Last evaluated: 2021-04-23. Review status: no assertion criteria provided. Collection method: clinical testing. Allele origin: germline. Not counted in ClinVar's aggregate classification.
Comment: This variant is classified as likely benign based on ACMG/AMP sequence variant interpretation guidelines (Richards et al. 2015 PMID: 25741868, with internal and published modifications).